The following is an entry in ClinVar:

NM_006767.4(LZTR1):c.2314A>G (p.Asn772Asp)

Gene: LZTR1 (leucine zipper like post translational regulator 1; plus strand). Cytogenetic location: 22q11.21.
Variant type: single nucleotide variant.
Coding change: c.2314A>G on transcript NM_006767.4 (MANE Select); coding-DNA position 2314, A replaced by G.
Protein change: p.Asn772Asp; replaces asparagine 772 with aspartic acid.
Molecular consequence: missense variant.
Genome position (GRCh38, 1-based): chr22:20,996,790, A>G. VCF-style: chr22-20996790-A-G. GRCh37 (hg19) VCF-style: chr22-21351079-A-G.
Other names: short protein forms N772D.
Identifiers: ClinVar variation 1789474 (VCV001789474.5), dbSNP rs777847375, ClinGen allele CA410780927.

ClinVar aggregate classification (germline): Uncertain significance. Review status: criteria provided, multiple submitters, no conflicts (2 of 4 stars). 2 submissions from 2 submitters: Uncertain significance (2). Last evaluated 2025-03-31.

Conditions:
Hereditary cancer-predisposing syndrome. Also called: Hereditary Cancer Syndrome; Hereditary neoplastic syndrome; Tumor predisposition; Neoplastic Syndromes, Hereditary. Identifiers: Orphanet 140162, MedGen C0027672, MeSH D009386, MONDO:0015356.
Cardiovascular phenotype. Identifiers: MedGen CN230736.

Submissions (2):

Labcorp Genetics (formerly Invitae), Labcorp
Classification: Uncertain significance. Last evaluated: 2025-03-31. Review status: criteria provided, single submitter. Criteria: Invitae Variant Classification Sherloc (09022015). Collection method: clinical testing. Allele origin: germline.
Comment: This sequence change replaces asparagine, which is neutral and polar, with aspartic acid, which is acidic and polar, at codon 772 of the LZTR1 protein (p.Asn772Asp). This variant is not present in population databases (gnomAD no frequency). This variant has not been reported in the literature in individuals affected with LZTR1-related conditions. ClinVar contains an entry for this variant (Variation ID: 1789474). Invitae Evidence Modeling of protein sequence and biophysical properties (such as structural, functional, and spatial information, amino acid conservation, physicochemical variation, residue mobility, and thermodynamic stability) indicates that this missense variant is not expected to disrupt LZTR1 protein function with a negative predictive value of 80%. In summary, the available evidence is currently insufficient to determine the role of this variant in disease. Therefore, it has been classified as a Variant of Uncertain Significance.

Ambry Genetics
Classification: Uncertain significance for Cardiovascular phenotype; Hereditary cancer-predisposing syndrome. Last evaluated: 2022-01-26. Review status: criteria provided, single submitter. Criteria: Ambry Variant Classification Scheme 2023. Collection method: clinical testing. Allele origin: germline.
Comment: The p.N772D variant (also known as c.2314A>G), located in coding exon 19 of the LZTR1 gene, results from an A to G substitution at nucleotide position 2314. The asparagine at codon 772 is replaced by aspartic acid, an amino acid with highly similar properties. This amino acid position is conserved. In addition, the in silico prediction for this alteration is inconclusive. Since supporting evidence is limited at this time, the clinical significance of this alteration remains unclear.